The following is an entry in ClinVar:

NM_001909.5(CTSD):c.968G>A (p.Gly323Asp)

Gene: CTSD (cathepsin D; minus strand). Cytogenetic location: 11p15.5.
Variant type: single nucleotide variant.
Coding change: c.968G>A on transcript NM_001909.5 (MANE Select); coding-DNA position 968, G replaced by A.
Protein change: p.Gly323Asp; replaces glycine 323 with aspartic acid.
Molecular consequence: missense variant.
Genome position (GRCh38, 1-based): chr11:1,753,998, C>T on the plus strand (G>A on the coding strand, the complement: CTSD is on the minus strand). VCF-style: chr11-1753998-C-T. GRCh37 (hg19) VCF-style: chr11-1775228-C-T.
Other names: short protein forms G323D.
Identifiers: ClinVar variation 1018496 (VCV001018496.7), dbSNP rs761766384, ClinGen allele CA5813987.

ClinVar aggregate classification (germline): Uncertain significance (1 of 4 stars; one submission).

Conditions:
Neuronal ceroid lipofuscinosis. Also called: Neuronal Ceroid Lipofuscinoses. Identifiers: Orphanet 216, Orphanet 79263, MedGen C0027877, MONDO:0016295. Disease mechanism: loss of function.

Allele frequency attached by ClinVar (database versions not stated): gnomAD exomes below 0.00001; ExAC 0.00001.

Submission:

Labcorp Genetics (formerly Invitae), Labcorp
Classification: Uncertain significance for Neuronal ceroid lipofuscinosis. Last evaluated: 2024-02-24. Review status: criteria provided, single submitter. Criteria: Invitae Variant Classification Sherloc (09022015). Collection method: clinical testing. Allele origin: germline.
Comment: This sequence change replaces glycine, which is neutral and non-polar, with aspartic acid, which is acidic and polar, at codon 323 of the CTSD protein (p.Gly323Asp). This variant is present in population databases (rs761766384, gnomAD 0.006%). This variant has not been reported in the literature in individuals affected with CTSD-related conditions. ClinVar contains an entry for this variant (Variation ID: 1018496). Advanced modeling of protein sequence and biophysical properties (such as structural, functional, and spatial information, amino acid conservation, physicochemical variation, residue mobility, and thermodynamic stability) performed at Invitae indicates that this missense variant is not expected to disrupt CTSD protein function with a negative predictive value of 80%. In summary, the available evidence is currently insufficient to determine the role of this variant in disease. Therefore, it has been classified as a Variant of Uncertain Significance.